The following is an entry in ClinVar:

ClinVar aggregate classification (germline): Uncertain significance. Review status: criteria provided, single submitter (1 of 4 stars). 2 submissions from 2 submitters: Uncertain significance (1). 1 of the submissions does not count toward it. Last evaluated 2021-03-31.

Conditions:
Neurodevelopmental disorder. Identifiers: MedGen C1535926, MeSH D065886, MONDO:0700092.
Combined oxidative phosphorylation defect type 21. Also called: Combined oxidative phosphorylation deficiency 21. Identifiers: Orphanet 420733, MedGen C4706316, MONDO:0014398, OMIM 615918.

Submissions (2):

Laboratory of Molecular Genetics (Pr. Bezieau's lab), CHU de Nantes
Classification: Uncertain significance for Neurodevelopmental disorder. Last evaluated: 2021-03-31. Review status: criteria provided, single submitter. Criteria: ACMG Guidelines, 2015. Collection method: clinical testing. Allele origin: germline. Affected: yes.

Houlden Lab, UCL Institute of Neurology
Classification: Likely pathogenic for Combined oxidative phosphorylation defect type 21. Review status: no assertion criteria provided. Collection method: research. Allele origin: germline. Affected: yes. Not counted in ClinVar's aggregate classification.
Comment: This variant was identified in a compound heterozygous state with another TARS2 variant (c.388-1G>C) for this condition.

NM_025150.5(TARS2):c.388-1G>C

Gene: TARS2 (threonyl-tRNA synthetase 2, mitochondrial; plus strand). Cytogenetic location: 1q21.2.
Variant type: single nucleotide variant.
Coding change: c.388-1G>C on transcript NM_025150.5 (MANE Select); the canonical splice acceptor site of the intron before coding-DNA position 388, G replaced by C.
Molecular consequence: splice acceptor variant.
Genome position (GRCh38, 1-based): chr1:150,490,600, G>C. VCF-style: chr1-150490600-G-C. GRCh37 (hg19) VCF-style: chr1-150463076-G-C.
Other names: c.388-1G>C (NM_001271895.2, NM_001271896.2).
Identifiers: ClinVar variation 1064848 (VCV001064848.27), dbSNP rs2102476204, ClinGen allele CA342319826.